The following is an entry in ClinVar:

NM_002857.4(PEX19):c.*2417C>T

Gene: PEX19 (peroxisomal biogenesis factor 19; minus strand). Cytogenetic location: 1q23.2.
Variant type: single nucleotide variant.
Coding change: c.*2417C>T on transcript NM_002857.4 (MANE Select); 2417 bases downstream of the stop codon, C replaced by T.
Molecular consequence: 3 prime UTR variant. On other transcripts: non-coding transcript variant (2).
Genome position (GRCh38, 1-based): chr1:160,277,134, G>A on the plus strand (C>T on the coding strand, the complement: PEX19 is on the minus strand). VCF-style: chr1-160277134-G-A. GRCh37 (hg19) VCF-style: chr1-160246924-G-A.
Other names: c.*2425C>T (NM_001193644.1).
Identifiers: ClinVar variation 875945 (VCV000875945.5), dbSNP rs193290301, ClinGen allele CA1197064.

ClinVar aggregate classification (germline): Benign. Review status: criteria provided, multiple submitters, no conflicts (2 of 4 stars). 2 submissions from 2 submitters: Benign (2). Last evaluated 2018-01-12.

Conditions:
Peroxisome biogenesis disorder 12A (Zellweger). Also called: Peroxisome biogenesis disorder 12A. Identifiers: Orphanet 912, MedGen C3554002, MONDO:0013951, OMIM 614886.

Allele frequency attached by ClinVar (database versions not stated): 1000 Genomes Project 30x 0.01640; 1000 Genomes Project 0.01697; TOPMed 0.02490; gnomAD exomes 0.02517 and 0.02849; gnomAD 0.02556 and 0.02557; ExAC 0.03568.
gnomAD v4.1: 12,446 of 453,938 alleles (2.7%); highest among the groups gnomAD compares: Middle Eastern, 3.8%; 211 homozygotes.

Submissions (2):

Illumina Laboratory Services, Illumina
Classification: Benign for Peroxisome biogenesis disorder 12A (Zellweger). Last evaluated: 2018-01-12. Review status: criteria provided, single submitter. Criteria: ICSL Variant Classification Criteria 13 December 2019. Collection method: clinical testing. Allele origin: germline.
Comment: This variant was observed in the ICSL laboratory as part of a predisposition screen in an ostensibly healthy population. It had not been previously curated by ICSL or reported in the Human Gene Mutation Database (HGMD: prior to June 1st, 2018), and was therefore a candidate for classification through an automated scoring system. Utilizing variant allele frequency, disease prevalence and penetrance estimates, and inheritance mode, an automated score was calculated to assess if this variant is too frequent to cause the disease. Based on the score and internal cut-off values, a variant classified as benign is not then subjected to further curation. The score for this variant resulted in a classification of benign for this disease.

Breakthrough Genomics
Classification: Benign. Review status: criteria provided, single submitter. Criteria: ACMG Guidelines, 2015. Collection method: not provided. Allele origin: germline. Inheritance: Autosomal recessive inheritance. Affected: yes.